The following is an entry in ClinVar:

ClinVar aggregate classification (germline): Uncertain significance (1 of 4 stars; one submission).

Conditions:
Gorlin syndrome. Also called: Nevoid Basal Cell Carcinoma Syndrome; Basal cell nevus syndrome. Identifiers: Orphanet 377, MedGen C0004779, MONDO:0007187.
Medulloblastoma (MDB). Also called: MEDULLOBLASTOMA PREDISPOSITION SYNDROME; Medulloblastoma, somatic. Identifiers: Orphanet 616, MedGen C0025149, MeSH D008527, MONDO:0007959, OMIM 155255, HP:0002885.

Submission:

Labcorp Genetics (formerly Invitae), Labcorp
Classification: Uncertain significance for Gorlin syndrome; Medulloblastoma. Last evaluated: 2023-08-01. Review status: criteria provided, single submitter. Criteria: Invitae Variant Classification Sherloc (09022015). Collection method: clinical testing. Allele origin: germline.
Comment: In summary, the available evidence is currently insufficient to determine the role of this variant in disease. Therefore, it has been classified as a Variant of Uncertain Significance. Advanced modeling of protein sequence and biophysical properties (such as structural, functional, and spatial information, amino acid conservation, physicochemical variation, residue mobility, and thermodynamic stability) performed at Invitae indicates that this missense variant is not expected to disrupt SUFU protein function. This variant has not been reported in the literature in individuals affected with SUFU-related conditions. This variant is not present in population databases (gnomAD no frequency). This sequence change replaces valine, which is neutral and non-polar, with alanine, which is neutral and non-polar, at codon 194 of the SUFU protein (p.Val194Ala).

NM_016169.4(SUFU):c.581T>C (p.Val194Ala)

Gene: SUFU (SUFU negative regulator of hedgehog signaling; plus strand). Cytogenetic location: 10q24.32.
Variant type: single nucleotide variant.
Coding change: c.581T>C on transcript NM_016169.4 (MANE Select); coding-DNA position 581, T replaced by C.
Protein change: p.Val194Ala; replaces valine 194 with alanine.
Molecular consequence: missense variant.
Genome position (GRCh38, 1-based): chr10:102,592,708, T>C. VCF-style: chr10-102592708-T-C. GRCh37 (hg19) VCF-style: chr10-104352465-T-C.
Other names: c.581T>C, p.Val194Ala (NM_001178133.2); short protein forms V194A.
Identifiers: ClinVar variation 2950534 (VCV002950534.3), dbSNP rs2545081580, ClinGen allele CA377908682.